The following is an entry in ClinVar:

ClinVar aggregate classification (germline): Uncertain significance (1 of 4 stars; one submission).

Conditions:
Congenital neutropenia-myelofibrosis-nephromegaly syndrome. Also called: Severe congenital neutropenia 5, autosomal recessive. Identifiers: Orphanet 369852, MedGen C3809031, MONDO:0014118, OMIM 615285.

Submission:

Labcorp Genetics (formerly Invitae), Labcorp
Classification: Uncertain significance for Congenital neutropenia-myelofibrosis-nephromegaly syndrome. Last evaluated: 2022-04-12. Review status: criteria provided, single submitter. Criteria: Invitae Variant Classification Sherloc (09022015). Collection method: clinical testing. Allele origin: germline.
Comment: In summary, the available evidence is currently insufficient to determine the role of this variant in disease. Therefore, it has been classified as a Variant of Uncertain Significance. Algorithms developed to predict the effect of missense changes on protein structure and function output the following: SIFT: "Tolerated"; PolyPhen-2: "Benign"; Align-GVGD: "Class C0". The glycine amino acid residue is found in multiple mammalian species, which suggests that this missense change does not adversely affect protein function. This variant has not been reported in the literature in individuals affected with VPS45-related conditions. This variant is not present in population databases (gnomAD no frequency). This sequence change replaces alanine, which is neutral and non-polar, with glycine, which is neutral and non-polar, at codon 188 of the VPS45 protein (p.Ala188Gly).

NM_007259.5(VPS45):c.563C>G (p.Ala188Gly)

Gene: VPS45 (vacuolar protein sorting 45 homolog; plus strand). Cytogenetic location: 1q21.2.
Variant type: single nucleotide variant.
Coding change: c.563C>G on transcript NM_007259.5 (MANE Select); coding-DNA position 563, C replaced by G.
Protein change: p.Ala188Gly; replaces alanine 188 with glycine.
Molecular consequence: missense variant. On other transcripts: intron variant (1).
Genome position (GRCh38, 1-based): chr1:150,077,218, C>G. VCF-style: chr1-150077218-C-G. GRCh37 (hg19) VCF-style: chr1-150049296-C-G.
Other names: c.455C>G, p.Ala152Gly (NM_001279354.2); c.262-451C>G (NM_001279353.2); short protein forms A188G, A152G.
Identifiers: ClinVar variation 2125166 (VCV002125166.4), dbSNP rs2526100191, ClinGen allele CA342265222.
Genomic context (GRCh38, chr1:150,077,218, plus strand): 5'-CTCTGAAGAAGTGTCCCATGATTCGTTATCAGCTCTCATCAGAGGCAGCAAAGAGACTTG[C>G]AGAGTGCGTTAAGGTATGGCATTACCTATTCCTGGTTCCAAAACATAAAGGCCATTCATT-3'
Protein context (NP_009190.2, residues 178-198): QLSSEAAKRL[Ala188Gly]ECVKQVITKE